The following is an entry in ClinVar:

NM_001142800.2(EYS):c.2039T>C (p.Ile680Thr)

Gene: EYS (EGF-like photoreceptor maintenance factor; minus strand). Cytogenetic location: 6q12.
Variant type: single nucleotide variant.
Coding change: c.2039T>C on transcript NM_001142800.2 (MANE Select); coding-DNA position 2039, T replaced by C.
Protein change: p.Ile680Thr; replaces isoleucine 680 with threonine.
Molecular consequence: missense variant.
Genome position (GRCh38, 1-based): chr6:65,057,712, A>G on the plus strand (T>C on the coding strand, the complement: EYS is on the minus strand). VCF-style: chr6-65057712-A-G. GRCh37 (hg19) VCF-style: chr6-65767605-A-G.
Other names: c.2039T>C, p.Ile680Thr (NM_001292009.2); short protein forms I680T.
Identifiers: ClinVar variation 357732 (VCV000357732.20), dbSNP rs376807770, ClinGen allele CA3877329.
Genomic context (GRCh38, chr6:65,057,712, plus strand): 5'-GGTTGGTCAATGCAGGTGGCTCCATTTTTGCAGGGATGTGAAGCACACTCATCTATATCA[A>G]TTTCACATTGCGTACCTTTGGAAAATAGGAAAAAAAAATGTTAAGTGTTAACAAGACAGG-3'
Protein context (NP_001136272.1, residues 670-690): VPGFKGTQCE[Ile680Thr]DIDECASHPC

ClinVar aggregate classification (germline): Conflicting classifications of pathogenicity. Review status: criteria provided, conflicting classifications (1 of 4 stars). 6 submissions from 6 submitters: Uncertain significance (2); Benign (1); Likely benign (1). 2 of the submissions do not count toward it. Last evaluated 2026-01-14.

Conditions:
EYS-related disorder. Also called: EYS-related condition.
Retinitis pigmentosa (RP). Identifiers: Orphanet 791, MedGen C0035334, MeSH D012174, MONDO:0019200, OMIM 268000. Inheritance: Autosomal dominant, autosomal recessive and X linked inheritance.
Retinitis pigmentosa 25 (RP25). Identifiers: Orphanet 791, MedGen C1864446, MONDO:0011272, OMIM 602772.

Allele frequency attached by ClinVar (database versions not stated): gnomAD exomes 0.00017 and 0.00022; ExAC 0.00041; 1000 Genomes Project 0.00060; 1000 Genomes Project 30x 0.00078; gnomAD 0.00108 and 0.00099; ESP Exome Variant Server 0.00088; TOPMed 0.00106.
gnomAD v4.1: 385 of 1,548,410 alleles (0.025%); highest among the groups gnomAD compares: African/African-American, 0.33%; no homozygotes.

Submissions (6):

Labcorp Genetics (formerly Invitae), Labcorp
Classification: Benign. Last evaluated: 2026-01-14. Review status: criteria provided, single submitter. Criteria: Invitae Variant Classification Sherloc (09022015). Collection method: clinical testing. Allele origin: germline.

Blueprint Genetics
Classification: Likely benign. Last evaluated: 2023-09-21. Review status: criteria provided, single submitter. Criteria: ACMG Guidelines, 2015. Collection method: clinical testing. Allele origin: germline.

GeneDx
Classification: Uncertain significance. Last evaluated: 2020-01-08. Review status: criteria provided, single submitter. Criteria: GeneDx Variant Classification Process June 2021. Collection method: clinical testing. Allele origin: germline. Affected: yes.
Comment: In silico analysis, which includes protein predictors and evolutionary conservation, supports that this variant does not alter protein structure/function; Has not been previously published as pathogenic or benign to our knowledge

Illumina Laboratory Services, Illumina
Classification: Uncertain significance for Retinitis pigmentosa. Last evaluated: 2018-01-12. Review status: criteria provided, single submitter. Criteria: ICSL Variant Classification Criteria 13 December 2019. Collection method: clinical testing. Allele origin: germline.

PreventionGenetics, part of Exact Sciences
Classification: Likely benign for EYS-related condition. Last evaluated: 2024-09-16. Review status: no assertion criteria provided. Collection method: clinical testing. Allele origin: germline. Not counted in ClinVar's aggregate classification.
Comment: This variant is classified as likely benign based on ACMG/AMP sequence variant interpretation guidelines (Richards et al. 2015 PMID: 25741868, with internal and published modifications).

Natera, Inc.
Classification: Likely benign for Retinitis pigmentosa type 25. Last evaluated: 2019-10-28. Review status: no assertion criteria provided. Collection method: clinical testing. Allele origin: germline. Not counted in ClinVar's aggregate classification.